The following is an entry in ClinVar:

NM_000179.3(MSH6):c.748G>C (p.Val250Leu)

Gene: MSH6 (mutS homolog 6; plus strand). Cytogenetic location: 2p16.3.
Variant type: single nucleotide variant.
Coding change: c.748G>C on transcript NM_000179.3 (MANE Select); coding-DNA position 748, G replaced by C.
Protein change: p.Val250Leu; replaces valine 250 with leucine.
Molecular consequence: missense variant. On other transcripts: 5 prime UTR variant (9), non-coding transcript variant (4), intron variant (1).
Genome position (GRCh38, 1-based): chr2:47,798,731, G>C. VCF-style: chr2-47798731-G-C. GRCh37 (hg19) VCF-style: chr2-48025870-G-C.
Other names: c.748G>C, p.Val250Leu (NM_001406796.1, NM_001406798.1, NM_001406800.1 and 4 more transcripts); c.451G>C, p.Val151Leu (NM_001406797.1, NM_001406801.1, NM_001406805.1 and 10 more transcripts); c.223G>C, p.Val75Leu (NM_001406799.1, NM_001406806.1, NM_001406807.1); c.844G>C, p.Val282Leu (NM_001406802.1, NM_001406795.1); c.670G>C, p.Val224Leu (NM_001406804.1); c.-159G>C (NM_001406811.1, NM_001406812.1, NM_001406814.1 and 6 more transcripts); c.754G>C, p.Val252Leu (NM_001406813.1); c.580G>C, p.Val194Leu (NM_001406826.1); and 2 more; short protein forms V120L, V151L, V250L, V194L, V224L, V252L, V75L, V282L.
Identifiers: ClinVar variation 2829773 (VCV002829773.3), dbSNP rs2104295246, ClinGen allele CA346740116.

ClinVar aggregate classification (germline): Uncertain significance (1 of 4 stars; one submission).

Conditions:
Hereditary nonpolyposis colorectal neoplasms. Identifiers: MedGen C0009405, MeSH D003123.

Submission:

Labcorp Genetics (formerly Invitae), Labcorp
Classification: Uncertain significance for Hereditary nonpolyposis colorectal neoplasms. Last evaluated: 2023-01-18. Review status: criteria provided, single submitter. Criteria: Invitae Variant Classification Sherloc (09022015). Collection method: clinical testing. Allele origin: germline.
Comment: This sequence change replaces valine, which is neutral and non-polar, with leucine, which is neutral and non-polar, at codon 250 of the MSH6 protein (p.Val250Leu). This variant is not present in population databases (gnomAD no frequency). This variant has not been reported in the literature in individuals affected with MSH6-related conditions. Advanced modeling of protein sequence and biophysical properties (such as structural, functional, and spatial information, amino acid conservation, physicochemical variation, residue mobility, and thermodynamic stability) performed at Invitae indicates that this missense variant is not expected to disrupt MSH6 protein function. In summary, the available evidence is currently insufficient to determine the role of this variant in disease. Therefore, it has been classified as a Variant of Uncertain Significance.